The following is an entry in ClinVar:

NM_022455.5(NSD1):c.7808_7809del (p.Leu2603fs)

Gene: NSD1 (nuclear receptor binding SET domain protein 1; plus strand). Cytogenetic location: 5q35.3.
Variant type: Microsatellite.
Coding change: c.7808_7809del on transcript NM_022455.5 (MANE Select); coding-DNA positions 7808 to 7809, 2 bases deleted (TC; older notation c.7808_7809delTC).
Protein change: p.Leu2603fs; shifts the reading frame from leucine 2603.
Molecular consequence: frameshift variant.
Genome position (GRCh38, 1-based): chr5:177,295,176-177,295,177, TC deleted; deleting any 2 consecutive bases within chr5:177,295,172-177,295,177 gives the same sequence; the c. name uses the placement nearest the transcript's 3' end. VCF-style (leftmost placement, unchanged base first): chr5-177295171-GTC-G. GRCh37 (hg19) VCF-style: chr5-176722172-GTC-G.
Other names: c.6935_6936del, p.Leu2312fs (NM_001365684.2, NM_172349.5, NM_001409308.1); c.7808_7809del, p.Leu2603fs (NM_001409301.1, NM_001409302.1, NM_001409303.1); c.7388_7389del, p.Leu2463fs (NM_001409304.1); c.7055_7056del, p.Leu2352fs (NM_001409305.1); c.7046_7047del, p.Leu2349fs (NM_001409306.1, NM_001409307.1); c.6686_6687del, p.Leu2229fs (NM_001409309.1); short protein forms L2352fs, L2312fs, L2463fs, L2229fs, L2349fs, L2603fs.
Identifiers: ClinVar variation 3592082 (VCV003592082.3).

ClinVar aggregate classification (germline): Uncertain significance. Review status: criteria provided, multiple submitters, no conflicts (2 of 4 stars). 2 submissions from 2 submitters: Uncertain significance (2). Last evaluated 2024-05-22.

Conditions:
Sotos syndrome (SOTOS). Also called: Distinctive facial appearance, overgrowth in childhood, and learning disabilities or delayed development; SOTOS SYNDROME 1; CHROMOSOME 5q35 DELETION SYNDROME; CEREBRAL GIGANTISM; Sotos' syndrome. Identifiers: Orphanet 821, MedGen C0175695, MONDO:0019349, OMIM 117550.

Submissions (2):

Fulgent Genetics
Classification: Uncertain significance for Sotos syndrome. Last evaluated: 2024-05-22. Review status: criteria provided, single submitter. Criteria: ACMG Guidelines, 2015. Collection method: clinical testing. Allele origin: germline.

Labcorp Genetics (formerly Invitae), Labcorp
Classification: Uncertain significance. Last evaluated: 2023-12-12. Review status: criteria provided, single submitter. Criteria: Invitae Variant Classification Sherloc (09022015). Collection method: clinical testing. Allele origin: germline.
Comment: This sequence change creates a premature translational stop signal (p.Leu2603Argfs*10) in the NSD1 gene. While this is not anticipated to result in nonsense mediated decay, it is expected to disrupt the last 94 amino acid(s) of the NSD1 protein. This variant is not present in population databases (gnomAD no frequency). This premature translational stop signal has been observed in individual(s) with autism (PMID: 34312540). Experimental studies and prediction algorithms are not available or were not evaluated, and the functional significance of this variant is currently unknown. In summary, the available evidence is currently insufficient to determine the role of this variant in disease. Therefore, it has been classified as a Variant of Uncertain Significance.

Literature cited by the submitters: PubMed 34312540 (cited by Labcorp Genetics (formerly Invitae), Labcorp).